The following is an entry in ClinVar:

ClinVar aggregate classification (germline): Uncertain significance (1 of 4 stars; one submission).

gnomAD v4.1: 5 of 1,611,908 alleles (0.00031%); highest among the groups gnomAD compares: East Asian, 0.011%; no homozygotes.

Submission:

Labcorp Genetics (formerly Invitae), Labcorp
Classification: Uncertain significance. Last evaluated: 2024-03-04. Review status: criteria provided, single submitter. Criteria: Invitae Variant Classification Sherloc (09022015). Collection method: clinical testing. Allele origin: germline.
Comment: This sequence change falls in intron 15 of the EFTUD2 gene. It does not directly change the encoded amino acid sequence of the EFTUD2 protein. This variant is present in population databases (rs750998042, gnomAD 0.02%). This variant has not been reported in the literature in individuals affected with EFTUD2-related conditions. Algorithms developed to predict the effect of sequence changes on RNA splicing suggest that this variant may create or strengthen a splice site. In summary, the available evidence is currently insufficient to determine the role of this variant in disease. Therefore, it has been classified as a Variant of Uncertain Significance.

NM_004247.4(EFTUD2):c.1413+7G>T

Gene: EFTUD2 (elongation factor Tu GTP binding domain containing 2; minus strand). Cytogenetic location: 17q21.31.
Variant type: single nucleotide variant.
Coding change: c.1413+7G>T on transcript NM_004247.4 (MANE Select); 7 bases into the intron after coding-DNA position 1413, G replaced by T.
Molecular consequence: intron variant.
Genome position (GRCh38, 1-based): chr17:44,863,648, C>A on the plus strand (G>T on the coding strand, the complement: EFTUD2 is on the minus strand). VCF-style: chr17-44863648-C-A. GRCh37 (hg19) VCF-style: chr17-42941016-C-A.
Other names: c.1308+7G>T (NM_001142605.2); c.1383+7G>T (NM_001258354.2); c.1413+7G>T (NM_001258353.2).
Identifiers: ClinVar variation 3714752 (VCV003714752.2).